The following is an entry in ClinVar:

NM_000017.4(ACADS):c.136C>T (p.Arg46Trp)

Gene: ACADS (acyl-CoA dehydrogenase short chain; plus strand). Cytogenetic location: 12q24.31.
Variant type: single nucleotide variant.
Coding change: c.136C>T on transcript NM_000017.4 (MANE Select); coding-DNA position 136, C replaced by T.
Protein change: p.Arg46Trp; replaces arginine 46 with tryptophan.
Molecular consequence: missense variant.
Genome position (GRCh38, 1-based): chr12:120,727,115, C>T. VCF-style: chr12-120727115-C-T. GRCh37 (hg19) VCF-style: chr12-121164918-C-T.
Other names: p.R46W:CGG>TGG; c.136C>T, p.Arg46Trp (NM_001302554.2); short protein forms R46W.
Identifiers: ClinVar variation 3825 (VCV000003825.36), dbSNP rs121908003, ClinGen allele CA252879.
Genomic context (GRCh38, chr12:120,727,115, plus strand): 5'-CACACCATCTACCAGTCTGTGGAACTGCCCGAGACACACCAGATGTTGCTCCAGACATGC[C>T]GGGACTTTGCCGAGAAGGAGTTGTTTCCCATTGCAGCCCAGGTGGATAAGGAACATCTCT-3'
Protein context (NP_000008.1, residues 36-56): ETHQMLLQTC[Arg46Trp]DFAEKELFPI

ClinVar aggregate classification (germline): Pathogenic/Likely pathogenic. Review status: criteria provided, multiple submitters, no conflicts (2 of 4 stars). 15 submissions from 15 submitters: Pathogenic (7); Likely pathogenic (5). 3 of the submissions do not count toward it. Last evaluated 2026-05-30.

Conditions:
ACADS-related disorder. Also called: ACADS-related condition.
Inborn genetic diseases. Identifiers: MedGen C0950123, MeSH D030342.
Deficiency of butyryl-CoA dehydrogenase (ACADSD). Also called: SCAD Deficiency; SCADH DEFICIENCY; Short-Chain Acyl-CoA Dehydrogenase Deficiency; SCAD DEFICIENCY, MILD; ACYL-CoA DEHYDROGENASE, SHORT-CHAIN, DEFICIENCY OF; ACADS DEFICIENCY. Identifiers: Orphanet 26792, MedGen C0342783, MONDO:0008722, OMIM 201470. Disease mechanism: May be benign.

Allele frequency attached by ClinVar (database versions not stated): 1000 Genomes Project 30x 0.00016; gnomAD exomes 0.00016 and 0.00011; gnomAD 0.00008 and 0.00011; TOPMed 0.00012; 1000 Genomes Project 0.00020; ExAC 0.00012.
gnomAD v4.1: 176 of 1,614,172 alleles (0.011%); highest among the groups gnomAD compares: South Asian, 0.092%; 1 homozygote.

Submissions (15):

GeneDx
Classification: Likely pathogenic. Last evaluated: 2026-05-30. Review status: criteria provided, single submitter. Criteria: GeneDx Variant Classification Process June 2021. Collection method: clinical testing. Allele origin: germline.
Comment: Published functional studies demonstrate increased protein degradation, reduced tetramer formation, increased aggregation tendency, and increased chaperone retention (PMID: 9582344, 14506246); In silico analysis supports that this missense variant has a deleterious effect on protein structure/function; This variant is associated with the following publications: (PMID: 14506246, 28516284, 18523805, 1692038, 22424739, 18676165, 28454995, 34426522, 31589614, 31980526, 32778825, 33239584, 38103157, 38137468, 38882225, 9582344, 34493867, 41898520, 40700042)

PreventionGenetics, part of Exact Sciences
Classification: Pathogenic for ACADS-related condition. Last evaluated: 2026-03-16. Review status: criteria provided, single submitter. Criteria: ACMG Guidelines, 2015. Collection method: clinical testing. Allele origin: germline.
Comment: The ACADS c.136C>T variant is predicted to result in the amino acid substitution p.Arg46Trp. This variant was previously referred to as R22W in the literature. This variant has been reported in the homozygous or compound heterozygous state in patients with short chain acyl-CoA-dehydrogenase deficiency (Corydon et al. 1998. PubMed ID: 9582344; Alfares et al. 2017. PubMed ID: 28454995; Messina M et al. 2020. PubMed ID: 33239584). In experimental studies, the p.Arg46Trp substitution has been shown to result in decreased enzyme activity as well as affecting protein folding, increased protein aggregation, and more rapid degradation than wild-type (Corydon et al. 1998. PubMed ID: 9582344; Pedersen et al. 2003. PubMed ID: 14506246). The c.136C>T variant has been reported at a maximum allele frequency of ~0.08% in a large population database, indicating it is rare in the general population. In summary, we classify this variant as pathogenic.

Labcorp Genetics (formerly Invitae), Labcorp
Classification: Pathogenic for Deficiency of butyryl-CoA dehydrogenase. Last evaluated: 2025-09-13. Review status: criteria provided, single submitter. Criteria: Invitae Variant Classification Sherloc (09022015). Collection method: clinical testing. Allele origin: germline.
Comment: This sequence change replaces arginine, which is basic and polar, with tryptophan, which is neutral and slightly polar, at codon 46 of the ACADS protein (p.Arg46Trp). This variant is present in population databases (rs121908003, gnomAD 0.08%). This missense change has been observed in individuals with SCAD deficiency (PMID: 1692038, 18523805, 28454995). This variant is also known as R22W. ClinVar contains an entry for this variant (Variation ID: 3825). Invitae Evidence Modeling of protein sequence and biophysical properties (such as structural, functional, and spatial information, amino acid conservation, physicochemical variation, residue mobility, and thermodynamic stability) indicates that this missense variant is expected to disrupt ACADS protein function with a positive predictive value of 95%. Experimental studies have shown that this missense change affects ACADS function (PMID: 9582344, 14506246). For these reasons, this variant has been classified as Pathogenic.

Blueprint Genetics
Classification: Likely pathogenic for ACADS-related disorders. Last evaluated: 2024-10-08. Review status: criteria provided, single submitter. Criteria: ACMG Guidelines, 2015. Collection method: clinical testing. Allele origin: germline. Affected: yes. Observed: 5 variant alleles.

Ambry Genetics
Classification: Likely pathogenic for Inborn genetic diseases. Last evaluated: 2024-08-30. Review status: criteria provided, single submitter. Criteria: Ambry Variant Classification Scheme 2023. Collection method: clinical testing. Allele origin: germline.
Comment: The c.136C>T (p.R46W) alteration is located in exon 2 (coding exon 2) of the ACADS gene. This alteration results from a C to T substitution at nucleotide position 136, causing the arginine (R) at amino acid position 46 to be replaced by a tryptophan (W). Based on data from gnomAD, the T allele has an overall frequency of 0.015% (42/282878) total alleles studied. The highest observed frequency was 0.078% (24/30616) of South Asian alleles. This variant has been identified in the homozygous state and/or in conjunction with another ACADS variant in individuals with short-chain acyl-CoA dehydrogenase deficiency; in at least one instance, the variants were identified in trans (Naito, 1990; Alfares, 2017). This amino acid position is well conserved in available vertebrate species. In multiple assays testing ACADS function, this variant showed functionally abnormal results (Corydon, 1998; Pedersen, 2003). This alteration is predicted to be deleterious by in silico analysis. Based on the available evidence, this alteration is classified as likely pathogenic.

Fulgent Genetics
Classification: Likely pathogenic for Deficiency of butyryl-CoA dehydrogenase. Last evaluated: 2024-04-05. Review status: criteria provided, single submitter. Criteria: ACMG Guidelines, 2015. Collection method: clinical testing. Allele origin: germline.

Genomic Medicine Center of Excellence, King Faisal Specialist Hospital and Research Centre
Classification: Pathogenic for Deficiency of butyryl-CoA dehydrogenase. Last evaluated: 2024-03-17. Review status: criteria provided, single submitter. Criteria: ACMG Guidelines, 2015. Collection method: research. Allele origin: germline.

Women's Health and Genetics/Laboratory Corporation of America, LabCorp
Classification: Pathogenic for Deficiency of butyryl-CoA dehydrogenase. Last evaluated: 2024-02-20. Review status: criteria provided, single submitter. Criteria: LabCorp Variant Classification Summary - May 2015. Collection method: clinical testing. Allele origin: germline.
Comment: Variant summary: ACADS c.136C>T (p.Arg46Trp) results in a non-conservative amino acid change located in the acyl-CoA dehydrogenase/oxidase, N-terminal domain (IPR013786) of the encoded protein sequence. Five of five in-silico tools predict a damaging effect of the variant on protein function. The variant allele was found at a frequency of 0.00016 in 251496 control chromosomes (gnomAD). c.136C>T has been reported in the literature as a biallelic genotype in individuals affected with Deficiency Of Butyryl-CoA Dehydrogenase (e.g. Naito_1990, Pedersen_2008, Alfares_2017). These data indicate that the variant is likely to be associated with disease. At least two publications report experimental evidence evaluating an impact on protein function (Corydon_1998, Pedersen_2003). The results showed that the variant primarily existed as an insoluble protein, likely due to protein misfolding, and resulted in <10% of normal activity. The following publications have been ascertained in the context of this evaluation (PMID: 28454995, 9582344, 1692038, 18523805, 14506246). ClinVar contains an entry for this variant (Variation ID: 3825). Based on the evidence outlined above, the variant was classified as pathogenic.

3billion
Classification: Pathogenic for Deficiency of butyryl-CoA dehydrogenase. Last evaluated: 2023-02-23. Review status: criteria provided, single submitter. Criteria: ACMG Guidelines, 2015. Collection method: clinical testing. Allele origin: unknown. Affected: yes.
Comment: The variant is observed at an extremely low frequency in the gnomAD v2.1.1 dataset (total allele frequency: 0.015%). Functional studies provide moderate evidence of the variant having a damaging effect on the gene or gene product (PMID: 14506246, 9582344). In silico tool predictions suggest damaging effect of the variant on gene or gene product (REVEL: 0.94; 3Cnet: 0.98). Same nucleotide change resulting in same amino acid change has been previously reported as pathogenic/likely pathogenic with strong evidence (ClinVar ID: VCV000003825). The variant has been reported to be in trans with a pathogenic variant as either compound heterozygous or homozygous in at least one similarly affected unrelated individual (PMID: 1692038, 28454995). Therefore, this variant is classified as Pathogenic according to the recommendation of ACMG/AMP guideline.

Revvity Omics, Revvity
Classification: Pathogenic for Deficiency of butyryl-CoA dehydrogenase. Last evaluated: 2022-06-03. Review status: criteria provided, single submitter. Criteria: ACMG Guidelines, 2015. Collection method: clinical testing. Allele origin: germline.

Genetics and Genomic Medicine Centre, NeuroGen Healthcare, NeuroGen Healthcare
Classification: Likely pathogenic for Deficiency of butyryl-CoA dehydrogenase. Last evaluated: 2021-08-11. Review status: criteria provided, single submitter. Criteria: Submitter's publication. Collection method: clinical testing. Allele origin: unknown. Affected: no.

Kariminejad - Najmabadi Pathology & Genetics Center
Classification: Pathogenic for Deficiency of butyryl-CoA dehydrogenase. Review status: criteria provided, single submitter. Criteria: ACMG Guidelines, 2015. Collection method: clinical testing. Allele origin: germline. Affected: no.

Biochemical Molecular Genetic Laboratory, King Abdulaziz Medical City
Classification: Likely pathogenic for Deficiency of butyryl-CoA dehydrogenase. Last evaluated: 2019-09-26. Review status: no assertion criteria provided. Collection method: clinical testing. Allele origin: germline. Affected: yes. Not counted in ClinVar's aggregate classification.

Counsyl
Classification: Likely pathogenic for Deficiency of butyryl-CoA dehydrogenase. Last evaluated: 2014-03-16. Review status: no assertion criteria provided. Collection method: literature only. Allele origin: unknown. Inheritance: Autosomal recessive inheritance. Not counted in ClinVar's aggregate classification.

OMIM
Classification: Pathogenic for SCAD DEFICIENCY. Last evaluated: 1989-11-01. Review status: no assertion criteria provided. Collection method: literature only. Allele origin: germline. Not counted in ClinVar's aggregate classification.

Literature cited by the submitters: PubMed 1692038 (cited by 4 submitters); PubMed 18523805 (cited by Labcorp Genetics (formerly Invitae), Labcorp and Women's Health and Genetics/Laboratory Corporation of America, LabCorp); PubMed 28454995 (cited by 4 submitters); PubMed 9582344 (cited by 5 submitters); PubMed 14506246 (cited by 5 submitters); PubMed 2808706 (cited by OMIM); Naito, E., Indo, Y., Tanaka, K. Short chain acyl-CoA dehydrogenase (SCAD) deficiency: demonstration of molecular heterogeneity and identification of point mutations. (Abstract) Am. J. Hum. Genet. 45 (suppl.): A208, 1989. (cited by OMIM).